The following is an entry in ClinVar:

ClinVar aggregate classification (germline): Pathogenic (1 of 4 stars; one submission).

Submission:

GeneDx
Classification: Pathogenic. Last evaluated: 2026-02-27. Review status: criteria provided, single submitter. Criteria: GeneDx Variant Classification Process June 2021. Collection method: clinical testing. Allele origin: germline.
Comment: Occurs in the triple helical domain and replaces a glycine in a canonical Gly-X-Y repeat; missense substitution of a canonical glycine residue is expected to disrupt normal protein folding and function, and this is an established mechanism of disease (PMID: 34007986); Not observed at significant frequency in large population cohorts (gnomAD); In silico analysis supports that this missense variant has a deleterious effect on protein structure/function; Has not been previously published as pathogenic or benign to our knowledge; This variant is associated with the following publications: (PMID: 34007986)

NM_001844.5(COL2A1):c.1718G>A (p.Gly573Asp)

Gene: COL2A1 (collagen type II alpha 1 chain; minus strand). Cytogenetic location: 12q13.11.
Variant type: single nucleotide variant.
Coding change: c.1718G>A on transcript NM_001844.5 (MANE Select); coding-DNA position 1718, G replaced by A.
Protein change: p.Gly573Asp; replaces glycine 573 with aspartic acid.
Molecular consequence: missense variant.
Genome position (GRCh38, 1-based): chr12:47,985,550, C>T on the plus strand (G>A on the coding strand, the complement: COL2A1 is on the minus strand). VCF-style: chr12-47985550-C-T. GRCh37 (hg19) VCF-style: chr12-48379333-C-T.
Other names: c.1511G>A, p.Gly504Asp (NM_033150.3); short protein forms G504D, G573D.
Identifiers: ClinVar variation 4072463 (VCV004072463.2).